The following is an entry in ClinVar:

NM_000053.4(ATP7B):c.1135G>A (p.Gly379Ser)

Gene: ATP7B (ATPase copper transporting beta; minus strand). Cytogenetic location: 13q14.3.
Variant type: single nucleotide variant.
Coding change: c.1135G>A on transcript NM_000053.4 (MANE Select); coding-DNA position 1135, G replaced by A.
Protein change: p.Gly379Ser; replaces glycine 379 with serine.
Molecular consequence: missense variant. On other transcripts: splice acceptor variant (2).
Genome position (GRCh38, 1-based): chr13:51,974,085, C>T on the plus strand (G>A on the coding strand, the complement: ATP7B is on the minus strand). VCF-style: chr13-51974085-C-T. GRCh37 (hg19) VCF-style: chr13-52548221-C-T.
Other names: c.1135G>A, p.Gly379Ser (NM_001005918.3, NM_001330578.2, NM_001330579.2 and 29 more transcripts); c.1039G>A, p.Gly347Ser (NM_001406517.1, NM_001406518.1, NM_001406543.1 and 3 more transcripts); c.803-1G>A (NM_001243182.2); c.707-1G>A (NM_001406539.1); short protein forms G347S, G379S.
Identifiers: ClinVar variation 4759121 (VCV004759121.1).

ClinVar aggregate classification (germline): Uncertain significance (1 of 4 stars; one submission).

Conditions:
Wilson disease (WND). Also called: Wilson's disease. Identifiers: Orphanet 905, MedGen C0019202, MONDO:0010200, OMIM 277900. Disease mechanism: loss of function.

Submission:

Color Diagnostics, LLC DBA Color Health
Classification: Uncertain significance for Wilson disease. Last evaluated: 2025-07-28. Review status: criteria provided, single submitter. Criteria: ACMG Guidelines, 2015. Collection method: clinical testing. Allele origin: germline.
Comment: This missense variant replaces glycine with serine at codon 379 of the ATP7B protein. Computational prediction suggests that this variant may not impact protein structure and function. To our knowledge, functional studies have not been reported for this variant. This variant has not been reported in individuals affected with ATP7B-related disorders in the literature. This variant has not been identified in the general population by the Genome Aggregation Database (gnomAD). The available evidence is insufficient to determine the role of this variant in disease conclusively. Therefore, this variant is classified as a Variant of Uncertain Significance.